The following is an entry in ClinVar:

ClinVar aggregate classification (germline): Pathogenic (1 of 4 stars; one submission).

Conditions:
Neurofibromatosis, type 1 (NF1). Also called: VON RECKLINGHAUSEN DISEASE; Peripheral type neurofibromatosis; NEUROFIBROMATOSIS, TYPE I, SOMATIC; Neurofibromatosis, type I. Identifiers: Orphanet 636, MedGen C0027831, MONDO:0018975, OMIM 162200. Disease mechanism: loss of function.

Submission:

Labcorp Genetics (formerly Invitae), Labcorp
Classification: Pathogenic for Neurofibromatosis, type 1. Last evaluated: 2025-07-13. Review status: criteria provided, single submitter. Criteria: Invitae Variant Classification Sherloc (09022015). Collection method: clinical testing. Allele origin: germline.
Comment: This sequence change creates a premature translational stop signal (p.Gln1702Hisfs*11) in the NF1 gene. It is expected to result in an absent or disrupted protein product. Loss-of-function variants in NF1 are known to be pathogenic (PMID: 10712197, 23913538). This variant is not present in population databases (gnomAD no frequency). This variant has not been reported in the literature in individuals affected with NF1-related conditions. Algorithms developed to predict the effect of sequence changes on RNA splicing suggest that this variant may disrupt the consensus splice site. For these reasons, this variant has been classified as Pathogenic.

Literature cited by the submitters: PubMed 10712197; PubMed 23913538.

NM_001042492.3(NF1):c.5169del (p.Gln1723fs)

Gene: NF1 (neurofibromin 1; plus strand). Cytogenetic location: 17q11.2.
Variant type: Deletion.
Coding change: c.5169del on transcript NM_001042492.3 (MANE Select); coding-DNA position 5169, one base deleted (A; older notation c.5169delA).
Protein change: p.Gln1723fs; shifts the reading frame from glutamine 1723.
Molecular consequence: frameshift variant.
Genome position (GRCh38, 1-based): chr17:31,326,153, A deleted; the last of 2 consecutive A bases (chr17:31,326,152-31,326,153); deleting either gives the same sequence. VCF-style (leftmost placement, unchanged base first): chr17-31326151-CA-C. GRCh37 (hg19) VCF-style: chr17-29653169-CA-C.
Other names: c.5106del, p.Gln1702fs (NM_000267.4); short protein forms Q1702fs, Q1723fs.
Identifiers: ClinVar variation 4713237 (VCV004713237.1).